The following is an entry in ClinVar:

NM_198880.3(QRICH1):c.2266C>T (p.Arg756Trp)

Gene: QRICH1 (glutamine rich 1; minus strand). Cytogenetic location: 3p21.31.
Variant type: single nucleotide variant.
Coding change: c.2266C>T on transcript NM_198880.3 (MANE Select); coding-DNA position 2266, C replaced by T.
Protein change: p.Arg756Trp; replaces arginine 756 with tryptophan.
Molecular consequence: missense variant.
Genome position (GRCh38, 1-based): chr3:49,030,517, G>A on the plus strand (C>T on the coding strand, the complement: QRICH1 is on the minus strand). VCF-style: chr3-49030517-G-A. GRCh37 (hg19) VCF-style: chr3-49067950-G-A.
Other names: c.2266C>T, p.Arg756Trp (NM_001320580.2, NM_001320581.2, NM_001320582.2 and 4 more transcripts); c.2266C>T (NM_017730.2); short protein forms R756W.
Identifiers: ClinVar variation 1703943 (VCV001703943.9), dbSNP rs757870894, ClinGen allele CA2390948.

ClinVar aggregate classification (germline): Conflicting classifications of pathogenicity. Review status: criteria provided, conflicting classifications (1 of 4 stars). 4 submissions from 4 submitters: Likely pathogenic (2); Uncertain significance (2). Last evaluated 2025-11-03.

Conditions:
Ververi-Brady syndrome 1. Identifiers: Orphanet 580940, MedGen C6065891, MONDO:0060707, OMIM 617982.
Inborn genetic diseases. Identifiers: MedGen C0950123, MeSH D030342.

Allele frequency attached by ClinVar (database versions not stated): ExAC 0.00001; gnomAD exomes below 0.00001.
gnomAD v4.1: 2 of 1,614,090 alleles (0.00012%); highest among the groups gnomAD compares: Non-Finnish European, 0.00017%; no homozygotes.

Submissions (4):

Institute of Human Genetics, University of Leipzig Medical Center
Classification: Likely pathogenic for Ververi-Brady syndrome 1. Last evaluated: 2025-11-03. Review status: criteria provided, single submitter. Criteria: ACMG Guidelines, 2015. Collection method: clinical testing. Allele origin: de novo. Inheritance: Autosomal dominant inheritance. Affected: yes.
Comment: Criteria applied: PS2_MOD,PM1_SUP,PM2_SUP,PP2,PP3

Labcorp Genetics (formerly Invitae), Labcorp
Classification: Uncertain significance. Last evaluated: 2023-09-25. Review status: criteria provided, single submitter. Criteria: Invitae Variant Classification Sherloc (09022015). Collection method: clinical testing. Allele origin: germline.
Comment: This sequence change replaces arginine, which is basic and polar, with tryptophan, which is neutral and slightly polar, at codon 756 of the QRICH1 protein (p.Arg756Trp). This variant is present in population databases (rs757870894, gnomAD 0.0009%). This missense change has been observed in individual(s) with clinical features of Ververi-Brady syndrome (Invitae). ClinVar contains an entry for this variant (Variation ID: 1703943). An algorithm developed to predict the effect of missense changes on protein structure and function (PolyPhen-2) suggests that this variant is likely to be disruptive. In summary, the available evidence is currently insufficient to determine the role of this variant in disease. Therefore, it has been classified as a Variant of Uncertain Significance.

Ambry Genetics
Classification: Uncertain significance for Inborn genetic diseases. Last evaluated: 2023-02-10. Review status: criteria provided, single submitter. Criteria: Ambry Variant Classification Scheme 2023. Collection method: clinical testing. Allele origin: germline.
Comment: The c.2266C>T (p.R756W) alteration is located in exon 11 (coding exon 9) of the QRICH1 gene. This alteration results from a C to T substitution at nucleotide position 2266, causing the arginine (R) at amino acid position 756 to be replaced by a tryptophan (W). This allele was reported in one heterozygous individual in population-based cohorts in the Genome Aggregation Database (gnomAD). This amino acid position is highly conserved in available vertebrate species. This alteration is predicted to be deleterious by in silico analysis. Based on insufficient or conflicting evidence, the clinical significance of this alteration remains unclear.

GeneDx
Classification: Likely pathogenic. Last evaluated: 2022-03-03. Review status: criteria provided, single submitter. Criteria: GeneDx Variant Classification Process June 2021. Collection method: clinical testing. Allele origin: germline. Affected: yes.
Comment: In silico analysis supports that this missense variant has a deleterious effect on protein structure/function; Observed in an individual with schizophrenia in published literature (Genovese G et al., 2016); This variant is associated with the following publications: (PMID: 27694994)

Literature cited by the submitters: PubMed 27694994 (cited by Ambry Genetics).